The following is an entry in ClinVar:

NM_001242896.3(DEPDC5):c.3833G>T (p.Trp1278Leu)

Gene: DEPDC5 (DEP domain containing 5, GATOR1 subcomplex subunit; plus strand). Cytogenetic location: 22q12.3.
Variant type: single nucleotide variant.
Coding change: c.3833G>T on transcript NM_001242896.3 (MANE Select); coding-DNA position 3833, G replaced by T.
Protein change: p.Trp1278Leu; replaces tryptophan 1278 with leucine.
Molecular consequence: missense variant. On other transcripts: non-coding transcript variant (5).
Genome position (GRCh38, 1-based): chr22:31,879,552, G>T. VCF-style: chr22-31879552-G-T. GRCh37 (hg19) VCF-style: chr22-32275538-G-T.
Other names: c.3806G>T, p.Trp1269Leu (NM_001136029.4); c.3533G>T, p.Trp1178Leu (NM_001242897.2); c.3767G>T, p.Trp1256Leu (NM_001363852.2, NM_001364320.2); c.3599G>T, p.Trp1200Leu (NM_001363854.2, NM_001364319.2); c.3833G>T, p.Trp1278Leu (NM_001364318.2); c.3749G>T, p.Trp1250Leu (NM_001369901.1, NM_001369902.1); c.3740G>T, p.Trp1247Leu (NM_001369903.1, NM_014662.6); short protein forms W1178L, W1278L, W1250L, W1256L, W1247L, W1200L, W1269L.
Identifiers: ClinVar variation 577966 (VCV000577966.11), dbSNP rs1569185783, ClinGen allele CA411281714.
Genomic context (GRCh38, chr22:31,879,552, plus strand): 5'-GAGTACTCCTTCTCTCCCCTCCACTTTTCCCAGTGGCCATGCAGCAGCCCGCCACCACCT[G>T]GCACACAGCAGGAGTGGACGACTTCGCCAGCTTCCAGCGCAAGTGGTTTGAGGTGGCCTT-3'
Protein context (NP_001229825.1, residues 1268-1288): RVAMQQPATT[Trp1278Leu]HTAGVDDFAS

ClinVar aggregate classification (germline): Uncertain significance. Review status: criteria provided, multiple submitters, no conflicts (2 of 4 stars). 2 submissions from 2 submitters: Uncertain significance (2). Last evaluated 2022-08-26.

Conditions:
Inborn genetic diseases. Identifiers: MedGen C0950123, MeSH D030342.
Familial focal epilepsy with variable foci (FPEVF). Identifiers: Orphanet 98820, MedGen C1858477, MONDO:0020310.

Allele frequency attached by ClinVar (database versions not stated): gnomAD exomes below 0.00001.
gnomAD v4.1: 1 of 1,611,952 alleles (0.000062%); highest among the groups gnomAD compares: Admixed American, 0.0017%; no homozygotes.

Submissions (2):

Ambry Genetics
Classification: Uncertain significance for Inborn genetic diseases. Last evaluated: 2022-08-26. Review status: criteria provided, single submitter. Criteria: Ambry Variant Classification Scheme 2023. Collection method: clinical testing. Allele origin: germline.

Labcorp Genetics (formerly Invitae), Labcorp
Classification: Uncertain significance for Familial focal epilepsy with variable foci. Last evaluated: 2018-04-27. Review status: criteria provided, single submitter. Criteria: Invitae Variant Classification Sherloc (09022015). Collection method: clinical testing. Allele origin: germline.
Comment: This sequence change replaces tryptophan with leucine at codon 1278 of the DEPDC5 protein (p.Trp1278Leu). The tryptophan residue is highly conserved and there is a small physicochemical difference between tryptophan and leucine. This variant is not present in population databases (ExAC no frequency). This variant has not been reported in the literature in individuals with DEPDC5-related disease. Algorithms developed to predict the effect of missense changes on protein structure and function (SIFT, Align-GVGD) all suggest that this variant is likely to be tolerated, but these predictions have not been confirmed by published functional studies and their clinical significance is uncertain. In summary, the available evidence is currently insufficient to determine the role of this variant in disease. Therefore, it has been classified as a Variant of Uncertain Significance.